The following is an entry in ClinVar:

ClinVar aggregate classification (germline): Benign (1 of 4 stars; one submission).

Conditions:
Hypogonadotropic hypogonadism 5 with or without anosmia (KAL5). Also called: HYPOGONADOTROPIC HYPOGONADISM 5 WITH ANOSMIA; HYPOGONADOTROPHIC HYPOGONADISM 5 WITHOUT ANOSMIA; CHD7-Related GnRH Deficiency (Kallmann Syndrome 5). Identifiers: Orphanet 478, MedGen C3552553, MONDO:0012880, OMIM 612370. Disease mechanism: loss of function.

Allele frequency attached by ClinVar (database versions not stated): TOPMed 0.45086; gnomAD 0.45310 and 0.46787; 1000 Genomes Project 30x 0.49047; 1000 Genomes Project 0.50040; gnomAD exomes 0.75000.
gnomAD v4.1: 71,260 of 152,080 alleles (47%); highest among the groups gnomAD compares: East Asian, 75%; 20,139 homozygotes.

Submission:

Illumina Laboratory Services, Illumina
Classification: Benign for Kallmann Syndrome 5. Last evaluated: 2018-01-12. Review status: criteria provided, single submitter. Criteria: ICSL Variant Classification Criteria 13 December 2019. Collection method: clinical testing. Allele origin: germline.
Comment: This variant was observed in the ICSL laboratory as part of a predisposition screen in an ostensibly healthy population. It had not been previously curated by ICSL or reported in the Human Gene Mutation Database (HGMD: prior to June 1st, 2018), and was therefore a candidate for classification through an automated scoring system. Utilizing variant allele frequency, disease prevalence and penetrance estimates, and inheritance mode, an automated score was calculated to assess if this variant is too frequent to cause the disease. Based on the score and internal cut-off values, a variant classified as benign is not then subjected to further curation. The score for this variant resulted in a classification of benign for this disease.

NM_017780.4(CHD7):c.*1189A>C

Gene: CHD7 (chromodomain helicase DNA binding protein 7; plus strand). Cytogenetic location: 8q12.2.
Variant type: single nucleotide variant.
Coding change: c.*1189A>C on transcript NM_017780.4 (MANE Select); 1189 bases downstream of the stop codon, A replaced by C.
Molecular consequence: 3 prime UTR variant.
Genome position (GRCh38, 1-based): chr8:60,867,122, A>C. VCF-style: chr8-60867122-A-C. GRCh37 (hg19) VCF-style: chr8-61779681-A-C.
Other names: c.*1189A>C (NM_001316690.1).
Identifiers: ClinVar variation 363501 (VCV000363501.5), dbSNP rs4738834, ClinGen allele CA10625698.